The following is an entry in ClinVar:

NM_001148.6(ANK2):c.2142C>T (p.Leu714=)

Gene: ANK2 (ankyrin 2; plus strand). Cytogenetic location: 4q26.
Variant type: single nucleotide variant.
Coding change: c.2142C>T on transcript NM_001148.6 (MANE Select); coding-DNA position 2142, C replaced by T.
Protein change: p.Leu714=; no amino-acid change (leucine 714 retained).
Molecular consequence: synonymous variant.
Genome position (GRCh38, 1-based): chr4:113,287,667, C>T. VCF-style: chr4-113287667-C-T. GRCh37 (hg19) VCF-style: chr4-114208823-C-T.
Other names: c.2079C>T, p.Leu693= (NM_001127493.3, NM_001354239.2, NM_001354243.2 and 10 more transcripts); c.2142C>T, p.Leu714= (NM_001354225.2, NM_001354228.2, NM_001354232.2 and 6 more transcripts); c.2187C>T, p.Leu729= (NM_001354230.2, NM_001354231.2, NM_001354237.2 and 5 more transcripts); c.2043C>T, p.Leu681= (NM_001354245.2, NM_001354268.2); c.2055C>T, p.Leu685= (NM_001354249.2, NM_001354264.2, NM_001354266.2 and 10 more transcripts); c.1980C>T, p.Leu660= (NM_001354253.2, NM_001354257.2, NM_001354270.2 and 1 more transcripts); c.1956C>T, p.Leu652= (NM_001354260.2, NM_001354271.2, NM_001386151.1); c.2100C>T, p.Leu700= (NM_001354261.2, NM_001386147.1, NM_001386160.1); and 8 more.
Identifiers: ClinVar variation 3057639 (VCV003057639.2), dbSNP rs758746296, ClinGen allele CA3050460.

ClinVar aggregate classification (germline): Likely benign (0 of 4 stars; one submission).

Conditions:
ANK2-related disorder. Also called: ANK2-related condition.

Allele frequency attached by ClinVar (database versions not stated): gnomAD exomes below 0.00001; ExAC 0.00001.
gnomAD v4.1: 1 of 1,613,384 alleles (0.000062%); highest among the groups gnomAD compares: Non-Finnish European, 0.000085%; no homozygotes.

Submission:

PreventionGenetics, part of Exact Sciences
Classification: Likely benign for ANK2-related condition. Last evaluated: 2019-04-16. Review status: no assertion criteria provided. Collection method: clinical testing. Allele origin: germline.
Comment: This variant is classified as likely benign based on ACMG/AMP sequence variant interpretation guidelines (Richards et al. 2015 PMID: 25741868, with internal and published modifications).